The following is an entry in ClinVar:

ClinVar aggregate classification (germline): Likely benign. Review status: criteria provided, multiple submitters, no conflicts (2 of 4 stars). 2 submissions from 2 submitters: Likely benign (2). Last evaluated 2024-10-16.

Allele frequency attached by ClinVar (database versions not stated): gnomAD exomes 0.00001; TOPMed 0.00001; gnomAD 0.00003.
gnomAD v4.1: 14 of 1,424,960 alleles (0.00098%); highest among the groups gnomAD compares: African/African-American, 0.0015%; no homozygotes.

Submissions (2):

Labcorp Genetics (formerly Invitae), Labcorp
Classification: Likely benign. Last evaluated: 2024-10-16. Review status: criteria provided, single submitter. Criteria: Invitae Variant Classification Sherloc (09022015). Collection method: clinical testing. Allele origin: germline.

CeGaT Center for Human Genetics Tuebingen
Classification: Likely benign. Last evaluated: 2022-10-01. Review status: criteria provided, single submitter. Criteria: CeGaT Center For Human Genetics Tuebingen Variant Classification Criteria Version 2. Collection method: clinical testing. Allele origin: germline. Affected: yes. Observed: 1 variant allele.
Comment: DEAF1: BP4, BP7

NM_021008.4(DEAF1):c.237C>T (p.Gly79=)

Gene: DEAF1 (DEAF1 transcription factor; minus strand). Cytogenetic location: 11p15.5.
Variant type: single nucleotide variant.
Coding change: c.237C>T on transcript NM_021008.4 (MANE Select); coding-DNA position 237, C replaced by T.
Protein change: p.Gly79=; no amino-acid change (glycine 79 retained).
Molecular consequence: synonymous variant. On other transcripts: intron variant (1).
Genome position (GRCh38, 1-based): chr11:694,811, G>A on the plus strand (C>T on the coding strand, the complement: DEAF1 is on the minus strand). VCF-style: chr11-694811-G-A. GRCh37 (hg19) VCF-style: chr11-694811-G-A.
Other names: c.237C>T, p.Gly79= (NM_001293634.2); c.-437-3213C>T (NM_001367390.1).
Identifiers: ClinVar variation 2152755 (VCV002152755.28), dbSNP rs1221104807, ClinGen allele CA472437570.
Genomic context (GRCh38, chr11:694,811, plus strand): 5'-GCACTTGCCTGCGAAGGCTGCGGCAGCGGCGGCCTCGTCGGGGCCGGGCAGGGCCTCGGC[G>A]CCCATGTCCATGTGCCCGGGCTCCGCCGCCATCACCGCCACTGCCGTGACCCGCGGCGTC-3'
Protein context (NP_066288.2, residues 69-89): MAAEPGHMDM[Gly79=]AEALPGPDEA